The following is an entry in ClinVar:

ClinVar aggregate classification (germline): Pathogenic (1 of 4 stars; one submission).

Conditions:
Fanconi anemia (FA). Also called: Fanconi's anemia. Identifiers: Orphanet 84, MedGen C0015625, MeSH D005199, MONDO:0019391.

Submission:

Labcorp Genetics (formerly Invitae), Labcorp
Classification: Pathogenic for Fanconi anemia. Last evaluated: 2020-02-11. Review status: criteria provided, single submitter. Criteria: Invitae Variant Classification Sherloc (09022015). Collection method: clinical testing. Allele origin: germline.
Comment: This variant is a gross deletion of the genomic region encompassing exons 1-10 of the FANCA gene, which includes the initiator codon. The 5' end of this event is unknown as it extends beyond the assayed region for this gene and therefore may encompass additional genes. The 3' boundary is likely confined to intron 10 of the FANCA gene. This is expected to result in an absent or disrupted protein product. This variant has not been reported in the literature in individuals with FANCA-related conditions. Loss-of-function variants in FANCA are known to be pathogenic (PMID: 19367192). For these reasons, this variant has been classified as Pathogenic.

Literature cited by the submitters: PubMed 19367192.

NC_000016.9:g.(?_89864654)_(89883033_?)del

Gene: FANCA (FA complementation group A; minus strand). Cytogenetic location: 16q24.3.
Variant type: Deletion.
Identifiers: ClinVar variation 1073065 (VCV001073065.1).